The following is an entry in ClinVar:

NM_015102.5(NPHP4):c.400C>T (p.Arg134Trp)

Gene: NPHP4 (nephrocystin 4; minus strand). Cytogenetic location: 1p36.31.
Variant type: single nucleotide variant.
Coding change: c.400C>T on transcript NM_015102.5 (MANE Select); coding-DNA position 400, C replaced by T.
Protein change: p.Arg134Trp; replaces arginine 134 with tryptophan.
Molecular consequence: missense variant. On other transcripts: 5 prime UTR variant (2), non-coding transcript variant (1).
Genome position (GRCh38, 1-based): chr1:5,969,139, G>A on the plus strand (C>T on the coding strand, the complement: NPHP4 is on the minus strand). VCF-style: chr1-5969139-G-A. GRCh37 (hg19) VCF-style: chr1-6029199-G-A.
Other names: p.Arg134Trp; c.-830C>T (NM_001291593.2); c.-967C>T (NM_001291594.2); short protein forms R134W.
Identifiers: ClinVar variation 836758 (VCV000836758.7), dbSNP rs375476413, ClinGen allele CA554859.

ClinVar aggregate classification (germline): Uncertain significance. Review status: criteria provided, multiple submitters, no conflicts (2 of 4 stars). 3 submissions from 3 submitters: Uncertain significance (3). Last evaluated 2025-05-16.

Conditions:
Nephronophthisis. Also called: Juvenile Nephronophthisis. Identifiers: Orphanet 655, MedGen C0687120, MONDO:0019005, HP:0000090.
Nephronophthisis 4 (NPHP4). Also called: NEPHRONOPHTHISIS 4, JUVENILE. Identifiers: Orphanet 655, MedGen C1847013, MONDO:0011752, OMIM 606966.
Senior-Loken syndrome 4 (SLSN4). Identifiers: Orphanet 3156, MedGen C1846979, MONDO:0011756, OMIM 606996.

Allele frequency attached by ClinVar (database versions not stated): gnomAD 0.00001 and 0.00003; TOPMed 0.00003; ExAC 0.00004; gnomAD exomes 0.00004; ESP Exome Variant Server 0.00008.

Submissions (3):

Mayo Clinic Laboratories, Mayo Clinic
Classification: Uncertain significance. Last evaluated: 2025-05-16. Review status: criteria provided, single submitter. Criteria: ACMG Guidelines, 2015. Collection method: clinical testing. Allele origin: germline. Observed: 1 variant allele.

Fulgent Genetics
Classification: Uncertain significance for Nephronophthisis 4; Senior-Loken syndrome 4. Last evaluated: 2024-02-04. Review status: criteria provided, single submitter. Criteria: ACMG Guidelines, 2015. Collection method: clinical testing. Allele origin: germline.

Labcorp Genetics (formerly Invitae), Labcorp
Classification: Uncertain significance for Nephronophthisis. Last evaluated: 2023-10-23. Review status: criteria provided, single submitter. Criteria: Invitae Variant Classification Sherloc (09022015). Collection method: clinical testing. Allele origin: germline.
Comment: This sequence change replaces arginine, which is basic and polar, with tryptophan, which is neutral and slightly polar, at codon 134 of the NPHP4 protein (p.Arg134Trp). This variant is present in population databases (rs375476413, gnomAD 0.02%). This variant has not been reported in the literature in individuals affected with NPHP4-related conditions. ClinVar contains an entry for this variant (Variation ID: 836758). Advanced modeling of protein sequence and biophysical properties (such as structural, functional, and spatial information, amino acid conservation, physicochemical variation, residue mobility, and thermodynamic stability) performed at Invitae indicates that this missense variant is expected to disrupt NPHP4 protein function with a positive predictive value of 80%. In summary, the available evidence is currently insufficient to determine the role of this variant in disease. Therefore, it has been classified as a Variant of Uncertain Significance.